The following is an entry in ClinVar:

NM_001165967.2(HES7):c.119T>C (p.Leu40Pro)

Gene: HES7 (hes family bHLH transcription factor 7; minus strand). Cytogenetic location: 17p13.1.
Variant type: single nucleotide variant.
Coding change: c.119T>C on transcript NM_001165967.2 (MANE Select); coding-DNA position 119, T replaced by C.
Protein change: p.Leu40Pro; replaces leucine 40 with proline.
Molecular consequence: missense variant.
Genome position (GRCh38, 1-based): chr17:8,123,050, A>G on the plus strand (T>C on the coding strand, the complement: HES7 is on the minus strand). VCF-style: chr17-8123050-A-G. GRCh37 (hg19) VCF-style: chr17-8026368-A-G.
Other names: c.119T>C (NM_032580.3); c.119T>C, p.Leu40Pro (NM_032580.4); short protein forms L40P.
Identifiers: ClinVar variation 2182858 (VCV002182858.5), dbSNP rs778047084, ClinGen allele CA8368712.

ClinVar aggregate classification (germline): Uncertain significance. Review status: criteria provided, multiple submitters, no conflicts (2 of 4 stars). 2 submissions from 2 submitters: Uncertain significance (2). Last evaluated 2022-12-19.

Conditions:
Inborn genetic diseases. Identifiers: MedGen C0950123, MeSH D030342.

Allele frequency attached by ClinVar (database versions not stated): gnomAD 0.00002; gnomAD exomes 0.00002; TOPMed 0.00002; ExAC 0.00004.
gnomAD v4.1: 25 of 1,600,728 alleles (0.0016%); highest among the groups gnomAD compares: Non-Finnish European, 0.002%; no homozygotes.

Submissions (2):

Ambry Genetics
Classification: Uncertain significance for Inborn genetic diseases. Last evaluated: 2022-12-19. Review status: criteria provided, single submitter. Criteria: Ambry Variant Classification Scheme 2023. Collection method: clinical testing. Allele origin: germline.

Labcorp Genetics (formerly Invitae), Labcorp
Classification: Uncertain significance. Last evaluated: 2022-09-02. Review status: criteria provided, single submitter. Criteria: Invitae Variant Classification Sherloc (09022015). Collection method: clinical testing. Allele origin: germline.
Comment: In summary, the available evidence is currently insufficient to determine the role of this variant in disease. Therefore, it has been classified as a Variant of Uncertain Significance. Algorithms developed to predict the effect of missense changes on protein structure and function (SIFT, PolyPhen-2, Align-GVGD) all suggest that this variant is likely to be disruptive. This variant has not been reported in the literature in individuals affected with HES7-related conditions. This variant is present in population databases (rs778047084, gnomAD 0.005%). This sequence change replaces leucine, which is neutral and non-polar, with proline, which is neutral and non-polar, at codon 40 of the HES7 protein (p.Leu40Pro).